The following is an entry in ClinVar:

ClinVar aggregate classification (germline): Uncertain significance. Review status: criteria provided, multiple submitters, no conflicts (2 of 4 stars). 2 submissions from 2 submitters: Uncertain significance (2). Last evaluated 2023-12-29.

Allele frequency attached by ClinVar (database versions not stated): ExAC 0.00002; gnomAD exomes 0.00002 and 0.00005; TOPMed 0.00002; gnomAD 0.00003.
gnomAD v4.1: 69 of 1,612,324 alleles (0.0043%); highest among the groups gnomAD compares: Non-Finnish European, 0.0055%; no homozygotes.

Submissions (2):

GeneDx
Classification: Uncertain significance. Last evaluated: 2023-12-29. Review status: criteria provided, single submitter. Criteria: GeneDx Variant Classification Process June 2021. Collection method: clinical testing. Allele origin: germline. Affected: yes.
Comment: In silico analysis supports that this missense variant has a deleterious effect on protein structure/function; Identified in a patient with cryptogenic cholestasis in published literature, with no second TJP2 variant identified (PMID: 29238877); This variant is associated with the following publications: (PMID: 34426522, 31450555, 29238877)

Mayo Clinic Laboratories, Mayo Clinic
Classification: Uncertain significance. Last evaluated: 2021-11-23. Review status: criteria provided, single submitter. Criteria: ACMG Guidelines, 2015. Collection method: clinical testing. Allele origin: germline.

NM_004817.4(TJP2):c.964C>T (p.Arg322Trp)

Gene: TJP2 (tight junction protein 2; plus strand). Cytogenetic location: 9q21.11.
Variant type: single nucleotide variant.
Coding change: c.964C>T on transcript NM_004817.4 (MANE Select); coding-DNA position 964, C replaced by T.
Protein change: p.Arg322Trp; replaces arginine 322 with tryptophan.
Molecular consequence: missense variant.
Genome position (GRCh38, 1-based): chr9:69,225,315, C>T. VCF-style: chr9-69225315-C-T. GRCh37 (hg19) VCF-style: chr9-71840231-C-T.
Other names: p.Arg322Trp; c.895C>T, p.Arg299Trp (NM_001170414.2, NM_001369870.1, NM_001369871.1); c.976C>T, p.Arg326Trp (NM_001170415.1, NM_001369874.1, NM_001369875.1); c.1057C>T, p.Arg353Trp (NM_001170416.2); c.964C>T, p.Arg322Trp (NM_001369872.1, NM_001369873.1, NM_201629.3); c.964C>T (NM_004817.3); short protein forms R299W, R322W, R326W, R353W.
Identifiers: ClinVar variation 1694000 (VCV001694000.5), dbSNP rs759484247, ClinGen allele CA5073153.
Genomic context (GRCh38, chr9:69,225,315, plus strand): 5'-TTTGAACAAATTGATAACATACGTGTATGTTTATGTGTTTGTCTCCTAGAGTATGGTCTC[C>T]GGCTTGGGAGTCAGATCTTCGTAAAGGAAATGACCCGAACGGGTCTGGCAACTAAAGATG-3'
Protein context (NP_004808.2, residues 312-332): KSRANEEYGL[Arg322Trp]LGSQIFVKEM